The following is an entry in ClinVar:

ClinVar aggregate classification (germline): Uncertain significance (1 of 4 stars; one submission).

Conditions:
PCSK1-related disorder. Also called: PCSK1-related condition.

gnomAD v4.1: 10 of 1,613,866 alleles (0.00062%); highest among the groups gnomAD compares: Non-Finnish European, 0.00085%; no homozygotes.

Submission:

PreventionGenetics, part of Exact Sciences
Classification: Uncertain significance for PCSK1-related condition. Last evaluated: 2025-04-24. Review status: criteria provided, single submitter. Criteria: ACMG Guidelines, 2015. Collection method: clinical testing. Allele origin: germline.
Comment: The PCSK1 c.1982G>C variant is predicted to result in the amino acid substitution p.Gly661Ala. This variant was observed in a cohort of individuals with obesity, and in vitro functional studies showed inconclusive evidence of loss of function (Supplemental Data Set, Shah et al. 2023. PubMed ID: 36864747). This variant has not been reported in a large population database (gnomAD), indicating this variant is rare. At this time, the clinical significance of this variant is uncertain due to the absence of conclusive functional and genetic evidence.

NM_000439.5(PCSK1):c.1982G>C (p.Gly661Ala)

Genes: CAST (calpastatin; plus strand), PCSK1 (proprotein convertase subtilisin/kexin type 1; minus strand), LOC101929710 (uncharacterized LOC101929710; plus strand). Cytogenetic location: 5q15.
Variant type: single nucleotide variant.
Coding change: c.1982G>C on transcript NM_000439.5 (MANE Select); coding-DNA position 1982, G replaced by C.
Protein change: p.Gly661Ala; replaces glycine 661 with alanine.
Molecular consequence: missense variant. On other transcripts: intron variant (11).
Genome position (GRCh38, 1-based): chr5:96,393,281, C>G on the plus strand (G>C on the coding strand, the complement: PCSK1 is on the minus strand). VCF-style: chr5-96393281-C-G. GRCh37 (hg19) VCF-style: chr5-95728985-C-G.
Other names: c.1841G>C, p.Gly614Ala (NM_001177875.2); c.-175+13629C>G (NM_001423254.1, NM_001423259.1, NM_001423255.1 and 6 more transcripts); c.-103+13629C>G (NM_001423253.1); c.-40+13629C>G (NM_001423258.1); short protein forms G614A, G661A.
Identifiers: ClinVar variation 4988838 (VCV004988838.1).